The following is an entry in ClinVar:

ClinVar aggregate classification (germline): Uncertain significance (1 of 4 stars; one submission).

Allele frequency attached by ClinVar (database versions not stated): TOPMed below 0.00001.
gnomAD v4.1: 1 of 1,612,310 alleles (0.000062%); highest among the groups gnomAD compares: Non-Finnish European, 0.000085%; no homozygotes.

Submission:

Women's Health and Genetics/Laboratory Corporation of America, LabCorp
Classification: Uncertain significance. Last evaluated: 2022-12-12. Review status: criteria provided, single submitter. Criteria: LabCorp Variant Classification Summary - May 2015. Collection method: clinical testing. Allele origin: germline.
Comment: Variant summary: SOS2 c.3584C>G (p.Ala1195Gly) results in a non-conservative amino acid change in the encoded protein sequence. Three of five in-silico tools predict a benign effect of the variant on protein function. The variant allele was found at a frequency of 4e-06 in 249676 control chromosomes (gnomAD). The available data on variant occurrences in the general population are insufficient to allow any conclusion about variant significance. To our knowledge, no occurrence of c.3584C>G in individuals affected with Noonan Syndrome and no experimental evidence demonstrating its impact on protein function have been reported. No clinical diagnostic laboratories have submitted clinical-significance assessments for this variant to ClinVar after 2014. Based on the evidence outlined above, the variant was classified as uncertain significance.

NM_006939.4(SOS2):c.3584C>G (p.Ala1195Gly)

Gene: SOS2 (SOS Ras/Rho guanine nucleotide exchange factor 2; minus strand). Cytogenetic location: 14q21.3.
Variant type: single nucleotide variant.
Coding change: c.3584C>G on transcript NM_006939.4 (MANE Select); coding-DNA position 3584, C replaced by G.
Protein change: p.Ala1195Gly; replaces alanine 1195 with glycine.
Molecular consequence: missense variant.
Genome position (GRCh38, 1-based): chr14:50,118,759, G>C on the plus strand (C>G on the coding strand, the complement: SOS2 is on the minus strand). VCF-style: chr14-50118759-G-C. GRCh37 (hg19) VCF-style: chr14-50585477-G-C.
Other names: c.3485C>G, p.Ala1162Gly (NM_001411020.1); short protein forms A1162G, A1195G.
Identifiers: ClinVar variation 1878287 (VCV001878287.1), dbSNP rs753151750, ClinGen allele CA7176747.
Genomic context (GRCh38, chr14:50,118,759, plus strand): 5'-GTATCAGGAAGAGGATCTCTTGGTGGTGGCGGAGGTGGACTATGCAGAGGCCCATCAAAT[G>C]CACCAGTAGGAACAGGAACTCTGGGTTTTACCTTTGGAGGAGGAGGCTGTCTCGGTGGAA-3'
Protein context (NP_008870.2, residues 1185-1205): VKPRVPVPTG[Ala1195Gly]FDGPLHSPPP